The following is an entry in ClinVar:

NM_024426.6(WT1):c.1025C>G (p.Thr342Arg)

Gene: WT1 (WT1 transcription factor; minus strand). Cytogenetic location: 11p13.
Variant type: single nucleotide variant.
Coding change: c.1025C>G on transcript NM_024426.6 (MANE Select); coding-DNA position 1025, C replaced by G.
Protein change: p.Thr342Arg; replaces threonine 342 with arginine.
Molecular consequence: missense variant. On other transcripts: non-coding transcript variant (2), 5 prime UTR variant (1).
Genome position (GRCh38, 1-based): chr11:32,400,036, G>C on the plus strand (C>G on the coding strand, the complement: WT1 is on the minus strand). VCF-style: chr11-32400036-G-C. GRCh37 (hg19) VCF-style: chr11-32421582-G-C.
Other names: c.974C>G, p.Thr325Arg (NM_000378.6, NM_001407045.1, NM_001407048.1 and 1 more transcripts); c.374C>G, p.Thr125Arg (NM_001198551.2); c.323C>G, p.Thr108Arg (NM_001198552.2); c.-164C>G (NM_001367854.1); c.1019C>G, p.Thr340Arg (NM_001407044.1); c.1025C>G, p.Thr342Arg (NM_001407046.1, NM_024424.5); c.902C>G, p.Thr301Arg (NM_001407047.1); c.851C>G, p.Thr284Arg (NM_001407050.1); and 3 more; short protein forms T108R, T252R, T269R, T340R, T125R, T325R, T284R, T301R.
Identifiers: ClinVar variation 5032024 (VCV005032024.1).

ClinVar aggregate classification (germline): Uncertain significance (1 of 4 stars; one submission).

Conditions:
Inborn genetic diseases. Identifiers: MedGen C0950123, MeSH D030342.

Submission:

Ambry Genetics
Classification: Uncertain significance for Inborn genetic diseases. Last evaluated: 2026-07-05. Review status: criteria provided, single submitter. Criteria: Ambry Variant Classification Scheme 2023. Collection method: clinical testing. Allele origin: germline.
Comment: The p.T337R variant (also known as c.1010C>G), located in coding exon 6 of the WT1 gene, results from a C to G substitution at nucleotide position 1010. The threonine at codon 337 is replaced by arginine, an amino acid with similar properties. This amino acid position is conserved. In addition, the in silico prediction for this alteration is inconclusive. Based on the available evidence, the clinical significance of this variant remains unclear.